The following is an entry in ClinVar:

ClinVar aggregate classification (germline): Uncertain significance (1 of 4 stars; one submission).

Submission:

Women's Health and Genetics/Laboratory Corporation of America, LabCorp
Classification: Uncertain significance. Last evaluated: 2024-05-16. Review status: criteria provided, single submitter. Criteria: LabCorp Variant Classification Summary - May 2015. Collection method: clinical testing. Allele origin: germline.
Comment: Variant summary: PSEN2 c.1190T>C (p.Ile397Thr) results in a non-conservative amino acid change in the encoded protein sequence. Four of five in-silico tools predict a damaging effect of the variant on protein function. Consensus agreement among computation tools predict no significant impact on normal splicing. However, these predictions have yet to be confirmed by functional studies. The variant was absent in 251138 control chromosomes. The available data on variant occurrences in the general population are insufficient to allow any conclusion about variant significance. To our knowledge, no occurrence of c.1190T>C in individuals affected with Alzheimer Disease 4 and no experimental evidence demonstrating its impact on protein function have been reported. No submitters have cited clinical-significance assessments for this variant to ClinVar. Based on the evidence outlined above, the variant was classified as uncertain significance.

NM_000447.3(PSEN2):c.1190T>C (p.Ile397Thr)

Gene: PSEN2 (presenilin 2; plus strand). Cytogenetic location: 1q42.13.
Variant type: single nucleotide variant.
Coding change: c.1190T>C on transcript NM_000447.3 (MANE Select); coding-DNA position 1190, T replaced by C.
Protein change: p.Ile397Thr; replaces isoleucine 397 with threonine.
Molecular consequence: missense variant.
Genome position (GRCh38, 1-based): chr1:226,894,124, T>C. VCF-style: chr1-226894124-T-C. GRCh37 (hg19) VCF-style: chr1-227081825-T-C.
Other names: c.1187T>C, p.Ile396Thr (NM_012486.3); short protein forms I396T, I397T.
Identifiers: ClinVar variation 3336560 (VCV003336560.1).